The following is an entry in ClinVar:

ClinVar aggregate classification (germline): Pathogenic/Likely pathogenic. Review status: criteria provided, multiple submitters, no conflicts (2 of 4 stars). 3 submissions from 3 submitters: Pathogenic (1); Likely pathogenic (1). 1 of the submissions does not count toward it. Last evaluated 2023-04-08.

Conditions:
Charcot-Marie-Tooth disease. Also called: Charcot-Marie-Tooth Hereditary Neuropathy; Charcot-Marie-Tooth Neuropathy. Identifiers: Orphanet 166, MedGen C0007959, MONDO:0015626.
Charcot-Marie-Tooth disease X-linked dominant 1. Also called: GJB1 Disorders: Charcot-Marie-Tooth Neuropathy (CMT1X) and Central Nervous System Phenotypes; CHARCOT-MARIE-TOOTH NEUROPATHY, X-LINKED, 1; CHARCOT-MARIE-TOOTH PERONEAL MUSCULAR ATROPHY, X-LINKED; X-linked Charcot-Marie-Tooth disease type 1; HEREDITARY MOTOR AND SENSORY NEUROPATHY, X-LINKED; HMSN, X-LINKED. Identifiers: Orphanet 101075, MedGen C0393808, MONDO:0010549, OMIM 302800.
Charcot-Marie-Tooth Neuropathy X. Identifiers: MedGen CN118851.

Submissions (3):

Labcorp Genetics (formerly Invitae), Labcorp
Classification: Pathogenic for Charcot-Marie-Tooth Neuropathy X. Last evaluated: 2023-04-08. Review status: criteria provided, single submitter. Criteria: Invitae Variant Classification Sherloc (09022015). Collection method: clinical testing. Allele origin: germline.
Comment: This variant is not present in population databases (gnomAD no frequency). For these reasons, this variant has been classified as Pathogenic. Advanced modeling of protein sequence and biophysical properties (such as structural, functional, and spatial information, amino acid conservation, physicochemical variation, residue mobility, and thermodynamic stability) performed at Invitae indicates that this missense variant is expected to disrupt GJB1 protein function. ClinVar contains an entry for this variant (Variation ID: 637881). This missense change has been observed in individual(s) with Charcot-Marie-Tooth disease type 1 (PMID: 28448691). This sequence change replaces phenylalanine, which is neutral and non-polar, with leucine, which is neutral and non-polar, at codon 180 of the GJB1 protein (p.Phe180Leu).

Mendelics
Classification: Likely pathogenic for Charcot-Marie-Tooth disease X-linked dominant 1. Last evaluated: 2019-05-28. Review status: criteria provided, single submitter. Criteria: Mendelics Assertion Criteria 2017. Collection method: clinical testing. Allele origin: unknown.

Inherited Neuropathy Consortium
Classification: Uncertain significance for Charcot-Marie-Tooth disease. Review status: no assertion criteria provided. Collection method: literature only. Allele origin: germline. Affected: yes. Not counted in ClinVar's aggregate classification.

Literature cited by the submitters: PubMed 28448691 (cited by Labcorp Genetics (formerly Invitae), Labcorp); PubMed 16922730 (cited by Inherited Neuropathy Consortium).

NM_000166.6(GJB1):c.538T>C (p.Phe180Leu)

Gene: GJB1 (gap junction protein beta 1; plus strand). Cytogenetic location: Xq13.1.
Variant type: single nucleotide variant.
Coding change: c.538T>C on transcript NM_000166.6 (MANE Select); coding-DNA position 538, T replaced by C.
Protein change: p.Phe180Leu; replaces phenylalanine 180 with leucine.
Molecular consequence: missense variant.
Genome position (GRCh38, 1-based): chrX:71,224,245, T>C. VCF-style: chrX-71224245-T-C. GRCh37 (hg19) VCF-style: chrX-70444095-T-C.
Other names: c.538T>C, p.Phe180Leu (NM_001097642.3); short protein forms F180L.
Identifiers: ClinVar variation 637881 (VCV000637881.5), dbSNP rs1602349603, ClinGen allele CA413503052.